The following is an entry in ClinVar:

NM_004168.4(SDHA):c.1234G>A (p.Gly412Ser)

Gene: SDHA (succinate dehydrogenase complex flavoprotein subunit A; plus strand). Cytogenetic location: 5p15.33.
Variant type: single nucleotide variant.
Coding change: c.1234G>A on transcript NM_004168.4 (MANE Select); coding-DNA position 1234, G replaced by A.
Protein change: p.Gly412Ser; replaces glycine 412 with serine.
Molecular consequence: missense variant.
Genome position (GRCh38, 1-based): chr5:235,313, G>A. VCF-style: chr5-235313-G-A. GRCh37 (hg19) VCF-style: chr5-235428-G-A.
Other names: c.1090G>A, p.Gly364Ser (NM_001294332.2); c.1234G>A, p.Gly412Ser (NM_001330758.2); short protein forms G412S, G364S.
Identifiers: ClinVar variation 472312 (VCV000472312.27), dbSNP rs768055345, ClinGen allele CA3173145.
Genomic context (GRCh38, chr5:235,313, plus strand): 5'-GGCGTGGACGTCACGAAGGAGCCGATCCCTGTCCTCCCCACCGTGCATTATAACATGGGC[G>A]GCATTCCCACCAACTACAAGGGGCAGGTGATGGTGCTGGCTCCTCCCCCACAGCTGGAAA-3'
Protein context (NP_004159.2, residues 402-422): VLPTVHYNMG[Gly412Ser]IPTNYKGQVL

ClinVar aggregate classification (germline): Uncertain significance. Review status: criteria provided, multiple submitters, no conflicts (2 of 4 stars). 10 submissions from 10 submitters: Uncertain significance (10). Last evaluated 2026-01-14.

Conditions:
Neurodegeneration with ataxia and late-onset optic atrophy. Identifiers: MedGen C5543254, MONDO:0031006, OMIM 619259.
Dilated cardiomyopathy 1GG (CMD1GG). Identifiers: Orphanet 154, MedGen C3150898, MONDO:0013339, OMIM 613642.
Pheochromocytoma/paraganglioma syndrome 5. Also called: Paragangliomas 5; SDHA-Related Hereditary Paraganglioma-Pheochromocytoma Syndrome. Identifiers: Orphanet 29072, MedGen C3279992, MONDO:0013602, OMIM 614165.
Mitochondrial complex II deficiency, nuclear type 1. Also called: SUCCINATE CoQ REDUCTASE DEFICIENCY. Identifiers: Orphanet 3208, MedGen C5700310, MONDO:0100294, OMIM 252011.
SDHA-related disorder. Also called: SDHA-related condition; SDHA-related disorders.
Hereditary cancer-predisposing syndrome. Also called: Neoplastic Syndromes, Hereditary; Hereditary Cancer Syndrome; Tumor predisposition; Hereditary neoplastic syndrome. Identifiers: Orphanet 140162, MedGen C0027672, MeSH D009386, MONDO:0015356.
Primary dilated cardiomyopathy (DCM). Also called: Dilated Cardiomyopathy. Identifiers: Orphanet 217604, MedGen C0007193, MeSH D002311, MONDO:0005021, HP:0001644. Inheritance: Various modes of inheritance.

Allele frequency attached by ClinVar (database versions not stated): gnomAD 0.00001; TOPMed 0.00005.
gnomAD v4.1: 37 of 1,614,026 alleles (0.0023%); highest among the groups gnomAD compares: Admixed American, 0.03%; no homozygotes.

Submissions (10):

Labcorp Genetics (formerly Invitae), Labcorp
Classification: Uncertain significance for Pheochromocytoma/paraganglioma syndrome 5; Mitochondrial complex II deficiency, nuclear type 1. Last evaluated: 2026-01-14. Review status: criteria provided, single submitter. Criteria: Invitae Variant Classification Sherloc (09022015). Collection method: clinical testing. Allele origin: germline.
Comment: This sequence change replaces glycine, which is neutral and non-polar, with serine, which is neutral and polar, at codon 412 of the SDHA protein (p.Gly412Ser). This variant is present in population databases (rs768055345, gnomAD 0.05%). This variant has not been reported in the literature in individuals affected with SDHA-related conditions. ClinVar contains an entry for this variant (Variation ID: 472312). Invitae Evidence Modeling of protein sequence and biophysical properties (such as structural, functional, and spatial information, amino acid conservation, physicochemical variation, residue mobility, and thermodynamic stability) indicates that this missense variant is expected to disrupt SDHA protein function with a positive predictive value of 95%. RNA analysis performed to evaluate the impact of this missense change on mRNA splicing indicates it does not significantly alter splicing (internal data). In summary, the available evidence is currently insufficient to determine the role of this variant in disease. Therefore, it has been classified as a Variant of Uncertain Significance.

PreventionGenetics, part of Exact Sciences
Classification: Uncertain significance for SDHA-related condition. Last evaluated: 2025-11-19. Review status: criteria provided, single submitter. Criteria: ACMG Guidelines, 2015. Collection method: clinical testing. Allele origin: germline.
Comment: The SDHA c.1234G>A variant is predicted to result in the amino acid substitution p.Gly412Ser. To our knowledge, this variant has not been reported in the literature. This variant is reported in 0.052% of alleles in individuals of Latino descent in gnomAD. This variant is interpreted as uncertain in ClinVar (Variation ID: 472312). At this time, the clinical significance of this variant is uncertain due to the absence of conclusive functional and genetic evidence.

Ambry Genetics
Classification: Uncertain significance for Hereditary cancer-predisposing syndrome. Last evaluated: 2025-05-28. Review status: criteria provided, single submitter. Criteria: Ambry Variant Classification Scheme 2023. Collection method: clinical testing. Allele origin: germline.
Comment: The p.G412S variant (also known as c.1234G>A), located in coding exon 9 of the SDHA gene, results from a G to A substitution at nucleotide position 1234. The glycine at codon 412 is replaced by serine, an amino acid with similar properties. This amino acid position is highly conserved in available vertebrate species. In addition, this alteration is predicted to be deleterious by in silico analysis. Since supporting evidence is limited at this time, the clinical significance of this alteration remains unclear.

GeneDx
Classification: Uncertain significance. Last evaluated: 2024-07-07. Review status: criteria provided, single submitter. Criteria: GeneDx Variant Classification Process June 2021. Collection method: clinical testing. Allele origin: germline. Affected: yes.
Comment: In silico analysis supports that this missense variant has a deleterious effect on protein structure/function; Has not been previously published as pathogenic or benign to our knowledge

Fulgent Genetics
Classification: Uncertain significance for Mitochondrial complex II deficiency, nuclear type 1; Dilated cardiomyopathy 1GG; Pheochromocytoma/paraganglioma syndrome 5; Neurodegeneration with ataxia and late-onset optic atrophy. Last evaluated: 2024-02-08. Review status: criteria provided, single submitter. Criteria: ACMG Guidelines, 2015. Collection method: clinical testing. Allele origin: germline.

Quest Diagnostics Nichols Institute San Juan Capistrano
Classification: Uncertain significance. Last evaluated: 2023-09-29. Review status: criteria provided, single submitter. Criteria: Quest Diagnostics criteria. Collection method: clinical testing. Allele origin: unknown.

Baylor Genetics
Classification: Uncertain significance for Dilated cardiomyopathy 1GG. Last evaluated: 2023-09-13. Review status: criteria provided, single submitter. Criteria: ACMG Guidelines, 2015. Collection method: clinical testing. Allele origin: unknown.

Clinical Genomics Laboratory, Washington University in St. Louis
Classification: Uncertain significance for Dilated cardiomyopathy. Last evaluated: 2023-07-26. Review status: criteria provided, single submitter. Criteria: ACMG Guidelines, 2015. Collection method: clinical testing. Allele origin: germline.
Comment: A SDHA c.1234G>A (p.Gly412Ser) missense variant was identified. This variant, to our knowledge, has not been reported in the medical literature and it is only observed on 21/251444 alleles in the general population (gnomAD v.2.1.1), indicating it is not a common variant. Computational predictors indicate that the variant is damaging, evidence that correlates with impact to SDHA function. This variant has been reported in the ClinVar database as a germline variant of uncertain significance by 3 submitters (ClinVar Variation ID: 472312). Due to limited information, and based on ACMG/AMP guidelines for variant interpretation (Richards S et al., PMID: 25741868), the clinical significance of this variant is uncertain at this time.

St. Jude Molecular Pathology, St. Jude Children's Research Hospital
Classification: Uncertain significance for Pheochromocytoma/paraganglioma syndrome 5. Last evaluated: 2022-08-31. Review status: criteria provided, single submitter. Criteria: St. Jude Assertion Criteria 2020. Collection method: clinical testing. Allele origin: germline.
Comment: The SDHA c.1234G>A (p.Gly412Ser) missense change has a maximum subpopulation frequency of 0.052% in gnomAD v2.1.1. The in silico tool REVEL predicts a deleterious effect on protein function, but to our knowledge this prediction has not been confirmed by functional studies. To our knowledge, this variant has not been reported in individuals with SDHA-associated tumors. In summary, the evidence currently available is insufficient to determine the clinical significance of this variant. It has therefore been classified as of uncertain significance.

Blueprint Genetics
Classification: Uncertain significance. Last evaluated: 2021-02-22. Review status: criteria provided, single submitter. Criteria: ACMG Guidelines, 2015. Collection method: clinical testing. Allele origin: germline.